The following is an entry in ClinVar:

NM_004535.3(MYT1):c.2345C>G (p.Thr782Ser)

Gene: MYT1 (myelin transcription factor 1; plus strand). Cytogenetic location: 20q13.33.
Variant type: single nucleotide variant.
Coding change: c.2345C>G on transcript NM_004535.3 (MANE Select); coding-DNA position 2345, C replaced by G.
Protein change: p.Thr782Ser; replaces threonine 782 with serine.
Molecular consequence: missense variant.
Genome position (GRCh38, 1-based): chr20:64,221,996, C>G. VCF-style: chr20-64221996-C-G. GRCh37 (hg19) VCF-style: chr20-62853349-C-G.
Other names: short protein forms T782S.
Identifiers: ClinVar variation 3038234 (VCV003038234.2), dbSNP rs78568430, ClinGen allele CA9975128.
Genomic context (GRCh38, chr20:64,221,996, plus strand): 5'-ACCAGGAAGTGTCGGAAGAGAATTTTGAGGAGCGGAAGTATCCGGGGGAAGTCACCCTGA[C>G]CAACTTTAAGCTGAAGTTTCTCTCCAAGGACATAAAGAAGGAGCTGCTCACGTAAGTCCC-3'
Protein context (NP_004526.1, residues 772-792): ERKYPGEVTL[Thr782Ser]NFKLKFLSKD

ClinVar aggregate classification (germline): Benign (0 of 4 stars; one submission).

Conditions:
MYT1-related disorder. Also called: MYT1-related condition.

Allele frequency attached by ClinVar (database versions not stated): 1000 Genomes Project 30x 0.00578; 1000 Genomes Project 0.00679; TOPMed 0.01113; ESP Exome Variant Server 0.01130; gnomAD 0.01439; gnomAD exomes 0.01577; ExAC 0.01606.
gnomAD v4.1: 25,141 of 1,613,482 alleles (1.6%); highest among the groups gnomAD compares: Non-Finnish European, 1.6%; 308 homozygotes.

Submission:

PreventionGenetics, part of Exact Sciences
Classification: Benign for MYT1-related condition. Last evaluated: 2019-02-27. Review status: no assertion criteria provided. Collection method: clinical testing. Allele origin: germline.
Comment: This variant is classified as benign based on ACMG/AMP sequence variant interpretation guidelines (Richards et al. 2015 PMID: 25741868, with internal and published modifications).